The following is an entry in ClinVar:

ClinVar aggregate classification (germline): Likely pathogenic. Review status: criteria provided, multiple submitters, no conflicts (2 of 4 stars). 2 submissions from 2 submitters: Likely pathogenic (2). Last evaluated 2021-10-06.

Conditions:
Hereditary cancer-predisposing syndrome. Also called: Hereditary Cancer Syndrome; Neoplastic Syndromes, Hereditary; Hereditary neoplastic syndrome; Tumor predisposition. Identifiers: Orphanet 140162, MedGen C0027672, MeSH D009386, MONDO:0015356.
Microcephaly, normal intelligence and immunodeficiency (NBS). Also called: Nijmegen breakage syndrome; Microcephaly with normal intelligence immunodeficiency and lymphoreticular malignancies; Nonsyndromal microcephaly autosomal recessive with normal intelligence; Seemanova syndrome 2; Immunodeficiency, microcephaly with normal intelligence; Ataxia telangiectasia variant V1. Identifiers: Orphanet 647, MedGen C0398791, MONDO:0009623, OMIM 251260.

Submissions (2):

Labcorp Genetics (formerly Invitae), Labcorp
Classification: Likely pathogenic for Microcephaly, normal intelligence and immunodeficiency. Last evaluated: 2021-10-06. Review status: criteria provided, single submitter. Criteria: Invitae Variant Classification Sherloc (09022015). Collection method: clinical testing. Allele origin: germline.
Comment: This variant has not been reported in the literature in individuals affected with NBN-related conditions. Variants that disrupt the consensus splice site are a relatively common cause of aberrant splicing (PMID: 17576681, 9536098). Algorithms developed to predict the effect of sequence changes on RNA splicing suggest that this variant may disrupt the consensus splice site. This variant disrupts the p.Gln732 amino acid residue in NBN. Other variant(s) that disrupt this residue have been determined to be pathogenic (PMID: 18566737, 23720301). This suggests that this residue is clinically significant, and that variants that disrupt this residue are likely to be disease-causing. In summary, the currently available evidence indicates that the variant is pathogenic, but additional data are needed to prove that conclusively. Therefore, this variant has been classified as Likely Pathogenic. This variant is not present in population databases (ExAC no frequency). This sequence change affects a donor splice site in intron 15 of the NBN gene. While this variant is not anticipated to result in nonsense mediated decay, it likely alters RNA splicing and results in a disrupted protein product.

Ambry Genetics
Classification: Likely pathogenic for Hereditary cancer-predisposing syndrome. Last evaluated: 2019-09-19. Review status: criteria provided, single submitter. Criteria: Ambry Variant Classification Scheme 2023. Collection method: clinical testing. Allele origin: germline.
Comment: The c.2234+1G>T intronic variant results from a G to T substitution one nucleotide after coding exon 15 of the NBN gene. This nucleotide position is highly conserved in available vertebrate species. Using the BDGP and ESEfinder splice site prediction tools, this alteration is predicted to abolish the native splice donor site; however, direct evidence is unavailable. Alterations that disrupt the canonical splice site are expected to cause aberrant splicing, resulting in an abnormal protein. As such, this alteration is classified as likely pathogenic.

Literature cited by the submitters: PubMed 17576681 (cited by Labcorp Genetics (formerly Invitae), Labcorp); PubMed 9536098 (cited by Labcorp Genetics (formerly Invitae), Labcorp); PubMed 18566737 (cited by Labcorp Genetics (formerly Invitae), Labcorp); PubMed 23720301 (cited by Labcorp Genetics (formerly Invitae), Labcorp).

NM_002485.5(NBN):c.2234+1G>T

Gene: NBN (nibrin; minus strand). Cytogenetic location: 8q21.3.
Variant type: single nucleotide variant.
Coding change: c.2234+1G>T on transcript NM_002485.5 (MANE Select); the canonical splice donor site of the intron after coding-DNA position 2234, G replaced by T.
Molecular consequence: splice donor variant.
Genome position (GRCh38, 1-based): chr8:89,937,025, C>A on the plus strand (G>T on the coding strand, the complement: NBN is on the minus strand). VCF-style: chr8-89937025-C-A. GRCh37 (hg19) VCF-style: chr8-90949253-C-A.
Other names: c.1988+1G>T (NM_001024688.3).
Identifiers: ClinVar variation 820948 (VCV000820948.12), dbSNP rs1586024147, ClinGen allele CA371674733.